The following is an entry in ClinVar:

NM_006366.3(CAP2):c.406G>A (p.Val136Ile)

Genes: CAP2 (cyclase associated actin cytoskeleton regulatory protein 2; plus strand), LOC101928491 (uncharacterized LOC101928491; minus strand). Cytogenetic location: 6p22.3.
Variant type: single nucleotide variant.
Coding change: c.406G>A on transcript NM_006366.3 (MANE Select); coding-DNA position 406, G replaced by A.
Protein change: p.Val136Ile; replaces valine 136 with isoleucine.
Molecular consequence: missense variant. On other transcripts: intron variant (1).
Genome position (GRCh38, 1-based): chr6:17,507,274, G>A. VCF-style: chr6-17507274-G-A. GRCh37 (hg19) VCF-style: chr6-17507505-G-A.
Other names: c.328G>A, p.Val110Ile (NM_001363534.2); c.301-31995G>A (NM_001363533.2); short protein forms V110I, V136I.
Identifiers: ClinVar variation 1706815 (VCV001706815.2), dbSNP rs748611415, ClinGen allele CA3646230.

ClinVar aggregate classification (germline): Uncertain significance (1 of 4 stars; one submission).

Allele frequency attached by ClinVar (database versions not stated): ExAC 0.00001; TOPMed 0.00004; gnomAD 0.00005; gnomAD exomes 0.00005.
gnomAD v4.1: 80 of 1,614,134 alleles (0.005%); highest among the groups gnomAD compares: East Asian, 0.0067%; no homozygotes.

Submission:

GeneDx
Classification: Uncertain significance. Last evaluated: 2022-03-11. Review status: criteria provided, single submitter. Criteria: GeneDx Variant Classification Process June 2021. Collection method: clinical testing. Allele origin: germline. Affected: yes.
Comment: In silico analysis supports that this missense variant does not alter protein structure/function; Has not been previously published as pathogenic or benign to our knowledge